The following is an entry in ClinVar:

ClinVar aggregate classification (germline): Uncertain significance (1 of 4 stars; one submission).

Submission:

GeneDx
Classification: Uncertain significance. Last evaluated: 2024-08-06. Review status: criteria provided, single submitter. Criteria: GeneDx Variant Classification Process June 2021. Collection method: clinical testing. Allele origin: germline. Affected: yes.
Comment: In silico analysis supports a deleterious effect on protein structure/function; Has not been previously published as pathogenic or benign to our knowledge; In-frame deletion of one amino acid in a non-repeat region

NM_001330288.2(SMARCC2):c.1193_1195del (p.Asn398del)

Gene: SMARCC2 (SWI/SNF related BAF chromatin remodeling complex subunit C2; minus strand). Cytogenetic location: 12q13.2.
Variant type: Deletion.
Coding change: c.1193_1195del on transcript NM_001330288.2 (MANE Select); coding-DNA positions 1193 to 1195, 3 bases deleted (ACA; older notation c.1193_1195delACA).
Protein change: p.Asn398del; deletes asparagine 398.
Molecular consequence: inframe deletion.
Genome position (GRCh38, 1-based): chr12:56,178,519-56,178,521, TGT deleted on the plus strand (ACA on the coding strand, the reverse complement: SMARCC2 is on the minus strand); deleting any 3 consecutive bases within chr12:56,178,519-56,178,522 gives the same sequence; the c. name uses the placement nearest the transcript's 3' end. VCF-style (leftmost placement, unchanged base first): chr12-56178518-CTGT-C. GRCh37 (hg19) VCF-style: chr12-56572302-CTGT-C.
Other names: c.1193_1195del, p.Asn398del (NM_001130420.3, NM_003075.5, NM_139067.4); short protein forms N398del.
Identifiers: ClinVar variation 3602958 (VCV003602958.1).